The following is an entry in ClinVar:

NM_001374385.1(ATP8B1):c.2083G>A (p.Glu695Lys)

Gene: ATP8B1 (ATPase phospholipid transporting 8B1; minus strand). Cytogenetic location: 18q21.31.
Variant type: single nucleotide variant.
Coding change: c.2083G>A on transcript NM_001374385.1 (MANE Select); coding-DNA position 2083, G replaced by A.
Protein change: p.Glu695Lys; replaces glutamic acid 695 with lysine.
Molecular consequence: missense variant.
Genome position (GRCh38, 1-based): chr18:57,669,332, C>T on the plus strand (G>A on the coding strand, the complement: ATP8B1 is on the minus strand). VCF-style: chr18-57669332-C-T. GRCh37 (hg19) VCF-style: chr18-55336564-C-T.
Other names: c.1933G>A, p.Glu645Lys (NM_001374386.1); c.2083G>A, p.Glu695Lys (NM_005603.6); short protein forms E645K, E695K.
Identifiers: ClinVar variation 4845989 (VCV004845989.1).

ClinVar aggregate classification (germline): Uncertain significance (1 of 4 stars; one submission).

Conditions:
Familial intrahepatic cholestasis. Identifiers: Orphanet 284385, MedGen CN296401, MONDO:0017290.

Submission:

Genomenon, Inc
Classification: Uncertain significance for Familial intrahepatic cholestasis. Last evaluated: 2026-04-14. Review status: criteria provided, single submitter. Criteria: Genomenon Sequence Variant Interpretation Standards - Updated. Collection method: curation. Allele origin: germline. Affected: yes.
Comment: ATP8B1 p.Glu695Lys (c.2083G>A) is a missense variant that changes the amino acid at residue 695 from Glutamic acid to Lysine. This variant has been observed in at least one proband with features of ATP8B1-deficiency (PMID:34828443). It is absent or not present at a significant frequency in gnomAD. In silico models predict that this variant is possibly or probably damaging. In conclusion, we classify ATP8B1 p.Glu695Lys (c.2083G>A) as a variant of uncertain significance.

Literature cited by the submitters: PubMed 34828443.